The following is an entry in ClinVar:

NM_153676.4(USH1C):c.2577C>A (p.Ser859Arg)

Gene: USH1C (USH1 protein network component harmonin; minus strand). Cytogenetic location: 11p15.1.
Variant type: single nucleotide variant.
Coding change: c.2577C>A on transcript NM_153676.4 (MANE Select); coding-DNA position 2577, C replaced by A.
Protein change: p.Ser859Arg; replaces serine 859 with arginine.
Molecular consequence: missense variant. On other transcripts: intron variant (2).
Genome position (GRCh38, 1-based): chr11:17,495,647, G>T on the plus strand (C>A on the coding strand, the complement: USH1C is on the minus strand). VCF-style: chr11-17495647-G-T. GRCh37 (hg19) VCF-style: chr11-17517194-G-T.
Other names: c.1589+1111C>A (NM_001297764.2); c.1646+1111C>A (NM_005709.4); short protein forms S859R.
Identifiers: ClinVar variation 667353 (VCV000667353.6), dbSNP rs199827989, ClinGen allele CA5904088.

ClinVar aggregate classification (germline): Uncertain significance. Review status: criteria provided, multiple submitters, no conflicts (2 of 4 stars). 3 submissions from 3 submitters: Uncertain significance (3). Last evaluated 2026-01-22.

Conditions:
USH1C-related disorder. Also called: USH1C-related condition.

Allele frequency attached by ClinVar (database versions not stated): gnomAD exomes below 0.00001 and 0.00001; TOPMed below 0.00001; gnomAD 0.00001; ExAC 0.00002; 1000 Genomes Project 0.00020; 1000 Genomes Project 30x 0.00031.
gnomAD v4.1: 3 of 1,614,228 alleles (0.00019%); highest among the groups gnomAD compares: Admixed American, 0.005%; no homozygotes.

Submissions (3):

PreventionGenetics, part of Exact Sciences
Classification: Uncertain significance for USH1C-related condition. Last evaluated: 2026-01-22. Review status: criteria provided, single submitter. Criteria: ACMG Guidelines, 2015. Collection method: clinical testing. Allele origin: germline.
Comment: The USH1C c.2577C>A variant is predicted to result in the amino acid substitution p.Ser859Arg. To our knowledge, this variant has not been reported in the literature. This variant is reported in 0.0087% of alleles in individuals of Latino descent in gnomAD. At this time, the clinical significance of this variant is uncertain due to the absence of conclusive functional and genetic evidence.

Blueprint Genetics
Classification: Uncertain significance. Last evaluated: 2019-10-29. Review status: criteria provided, single submitter. Criteria: ACMG Guidelines, 2015. Collection method: clinical testing. Allele origin: germline.

Laboratory for Molecular Medicine, Mass General Brigham Personalized Medicine
Classification: Uncertain significance. Last evaluated: 2018-12-13. Review status: criteria provided, single submitter. Criteria: LMM Criteria. Collection method: clinical testing. Allele origin: germline. Observed: 1 variant allele.
Comment: The p.Ser859Arg variant in USH1C has not been previously been reported in indivi duals with hearing loss or Usher syndrome, but has been identified in 0.008% (3/ 34592) of Latino chromosomes by gnomAD. Compu tational prediction tools and conservation analysis do not provide strong suppor t for or against an impact to the protein. In summary, the clinical significance of this variant is uncertain. ACMG/AMP Criteria applied: PM2_Supporting.